The following is an entry in ClinVar:

ClinVar aggregate classification (germline): Uncertain significance (1 of 4 stars; one submission).

Allele frequency attached by ClinVar (database versions not stated): gnomAD exomes 0.00001 and 0.00002; ExAC 0.00002; ESP Exome Variant Server 0.00008.
gnomAD v4.1: 26 of 1,613,996 alleles (0.0016%); highest among the groups gnomAD compares: Non-Finnish European, 0.0021%; no homozygotes.

Submission:

Labcorp Genetics (formerly Invitae), Labcorp
Classification: Uncertain significance. Last evaluated: 2021-03-24. Review status: criteria provided, single submitter. Criteria: Invitae Variant Classification Sherloc (09022015). Collection method: clinical testing. Allele origin: germline.
Comment: Algorithms developed to predict the effect of missense changes on protein structure and function are either unavailable or do not agree on the potential impact of this missense change (SIFT: "Tolerated"; PolyPhen-2: "Possibly Damaging"; Align-GVGD: "Class C0"). This variant has not been reported in the literature in individuals with ITGA3-related conditions. This variant is present in population databases (rs374741808, ExAC 0.003%). This sequence change replaces asparagine with serine at codon 841 of the ITGA3 protein (p.Asn841Ser). The asparagine residue is weakly conserved and there is a small physicochemical difference between asparagine and serine. In summary, the available evidence is currently insufficient to determine the role of this variant in disease. Therefore, it has been classified as a Variant of Uncertain Significance. Algorithms developed to predict the effect of sequence changes on RNA splicing suggest that this variant may create or strengthen a splice site, but this prediction has not been confirmed by published transcriptional studies.

NM_002204.4(ITGA3):c.2522A>G (p.Asn841Ser)

Gene: ITGA3 (integrin subunit alpha 3; plus strand). Cytogenetic location: 17q21.33.
Variant type: single nucleotide variant.
Coding change: c.2522A>G on transcript NM_002204.4 (MANE Select); coding-DNA position 2522, A replaced by G.
Protein change: p.Asn841Ser; replaces asparagine 841 with serine.
Molecular consequence: missense variant.
Genome position (GRCh38, 1-based): chr17:50,079,197, A>G. VCF-style: chr17-50079197-A-G. GRCh37 (hg19) VCF-style: chr17-48156561-A-G.
Other names: short protein forms N841S.
Identifiers: ClinVar variation 1361339 (VCV001361339.8), dbSNP rs374741808, ClinGen allele CA8641952.